The following is an entry in ClinVar:

ClinVar aggregate classification (germline): Uncertain significance. Review status: criteria provided, multiple submitters, no conflicts (2 of 4 stars). 3 submissions from 3 submitters: Uncertain significance (3). Last evaluated 2025-05-29.

Conditions:
Inborn genetic diseases. Identifiers: MedGen C0950123, MeSH D030342.

Allele frequency attached by ClinVar (database versions not stated): gnomAD exomes 0.00001.
gnomAD v4.1: 14 of 1,613,522 alleles (0.00087%); highest among the groups gnomAD compares: Non-Finnish European, 0.0012%; no homozygotes.

Submissions (3):

Labcorp Genetics (formerly Invitae), Labcorp
Classification: Uncertain significance. Last evaluated: 2025-05-29. Review status: criteria provided, single submitter. Criteria: Invitae Variant Classification Sherloc (09022015). Collection method: clinical testing. Allele origin: germline.
Comment: This sequence change replaces phenylalanine, which is neutral and non-polar, with tyrosine, which is neutral and polar, at codon 954 of the VCAN protein (p.Phe954Tyr). This variant is not present in population databases (gnomAD no frequency). This variant has not been reported in the literature in individuals affected with VCAN-related conditions. ClinVar contains an entry for this variant (Variation ID: 1396449). An algorithm developed to predict the effect of missense changes on protein structure and function (PolyPhen-2) suggests that this variant is likely to be disruptive. In summary, the available evidence is currently insufficient to determine the role of this variant in disease. Therefore, it has been classified as a Variant of Uncertain Significance.

Ambry Genetics
Classification: Uncertain significance for Inborn genetic diseases. Last evaluated: 2023-02-14. Review status: criteria provided, single submitter. Criteria: Ambry Variant Classification Scheme 2023. Collection method: clinical testing. Allele origin: germline.

Blueprint Genetics
Classification: Uncertain significance. Last evaluated: 2017-07-03. Review status: criteria provided, single submitter. Criteria: ACMG Guidelines, 2015. Collection method: clinical testing. Allele origin: germline.

NM_004385.5(VCAN):c.2861T>A (p.Phe954Tyr)

Gene: VCAN (versican; plus strand). Cytogenetic location: 5q14.3.
Variant type: single nucleotide variant.
Coding change: c.2861T>A on transcript NM_004385.5 (MANE Select); coding-DNA position 2861, T replaced by A.
Protein change: p.Phe954Tyr; replaces phenylalanine 954 with tyrosine.
Molecular consequence: missense variant. On other transcripts: intron variant (2).
Genome position (GRCh38, 1-based): chr5:83,521,167, T>A. VCF-style: chr5-83521167-T-A. GRCh37 (hg19) VCF-style: chr5-82816986-T-A.
Other names: c.2861T>A (NM_004385.4); c.2861T>A, p.Phe954Tyr (NM_001164098.2); c.1042+8771T>A (NM_001164097.2, NM_001126336.3); short protein forms F954Y.
Identifiers: ClinVar variation 1396449 (VCV001396449.8), dbSNP rs913145099, ClinGen allele CA121792896.